The following is an entry in ClinVar:

ClinVar aggregate classification (germline): Uncertain significance (1 of 4 stars; one submission).

Conditions:
FADD-related immunodeficiency. Also called: Infections, recurrent, with encephalopathy, hepatic dysfunction, and cardiovascular malformations; FADD DEFICIENCY. Identifiers: Orphanet 306550, MedGen C3151062, MONDO:0013408, OMIM 613759.

gnomAD v4.1: 10 of 1,548,780 alleles (0.00065%); highest among the groups gnomAD compares: African/African-American, 0.0014%; no homozygotes.

Submission:

Labcorp Genetics (formerly Invitae), Labcorp
Classification: Uncertain significance for FADD-related immunodeficiency. Last evaluated: 2025-01-27. Review status: criteria provided, single submitter. Criteria: Invitae Variant Classification Sherloc (09022015). Collection method: clinical testing. Allele origin: germline.
Comment: This sequence change replaces serine, which is neutral and polar, with tyrosine, which is neutral and polar, at codon 69 of the FADD protein (p.Ser69Tyr). This variant is not present in population databases (gnomAD no frequency). This variant has not been reported in the literature in individuals affected with FADD-related conditions. An algorithm developed to predict the effect of missense changes on protein structure and function (PolyPhen-2) suggests that this variant is likely to be disruptive. In summary, the available evidence is currently insufficient to determine the role of this variant in disease. Therefore, it has been classified as a Variant of Uncertain Significance.

NM_003824.4(FADD):c.206C>A (p.Ser69Tyr)

Gene: FADD (Fas associated via death domain; plus strand). Cytogenetic location: 11q13.3.
Variant type: single nucleotide variant.
Coding change: c.206C>A on transcript NM_003824.4 (MANE Select); coding-DNA position 206, C replaced by A.
Protein change: p.Ser69Tyr; replaces serine 69 with tyrosine.
Molecular consequence: missense variant.
Genome position (GRCh38, 1-based): chr11:70,203,665, C>A. VCF-style: chr11-70203665-C-A. GRCh37 (hg19) VCF-style: chr11-70049771-C-A.
Other names: short protein forms S69Y.
Identifiers: ClinVar variation 3612021 (VCV003612021.2).